The following is an entry in ClinVar:

NM_001365999.1(SZT2):c.9555C>T (p.His3185=)

Genes: SZT2 (SZT2 subunit of KICSTOR complex; plus strand), SZT2-AS1 (SZT2 antisense RNA 1; minus strand). Cytogenetic location: 1p34.2.
Variant type: single nucleotide variant.
Coding change: c.9555C>T on transcript NM_001365999.1 (MANE Select); coding-DNA position 9555, C replaced by T.
Protein change: p.His3185=; no amino-acid change (histidine 3185 retained).
Molecular consequence: synonymous variant.
Genome position (GRCh38, 1-based): chr1:43,447,963, C>T. VCF-style: chr1-43447963-C-T. GRCh37 (hg19) VCF-style: chr1-43913634-C-T.
Other names: c.9384C>T, p.His3128= (NM_015284.4).
Identifiers: ClinVar variation 695934 (VCV000695934.39), dbSNP rs150150240, ClinGen allele CA810940.

ClinVar aggregate classification (germline): Likely benign. Review status: criteria provided, multiple submitters, no conflicts (2 of 4 stars). 8 submissions from 8 submitters: Likely benign (6). 2 of the submissions do not count toward it. Last evaluated 2026-01-15.

Conditions:
Developmental and epileptic encephalopathy, 18 (DEE18). Also called: Early infantile epileptic encephalopathy 18. Identifiers: Orphanet 369894, MedGen C3809624, MONDO:0014201, OMIM 615476.
Inborn genetic diseases. Identifiers: MedGen C0950123, MeSH D030342.

Allele frequency attached by ClinVar (database versions not stated): ExAC 0.00059; TOPMed 0.00060; gnomAD exomes 0.00062 and 0.00116; gnomAD 0.00074 and 0.00079; ESP Exome Variant Server 0.00108.
gnomAD v4.1: 1,774 of 1,613,838 alleles (0.11%); highest among the groups gnomAD compares: Non-Finnish European, 0.14%; 4 homozygotes.

Submissions (8):

Labcorp Genetics (formerly Invitae), Labcorp
Classification: Likely benign. Last evaluated: 2026-01-15. Review status: criteria provided, single submitter. Criteria: Invitae Variant Classification Sherloc (09022015). Collection method: clinical testing. Allele origin: germline.

Blueprint Genetics
Classification: Likely benign. Last evaluated: 2024-11-08. Review status: criteria provided, single submitter. Criteria: ACMG Guidelines, 2015. Collection method: clinical testing. Allele origin: germline.

CeGaT Center for Human Genetics Tuebingen
Classification: Likely benign. Last evaluated: 2024-08-01. Review status: criteria provided, single submitter. Criteria: CeGaT Center For Human Genetics Tuebingen Variant Classification Criteria Version 2. Collection method: clinical testing. Allele origin: germline. Affected: yes. Observed: 2 variant alleles.
Comment: SZT2: BP4, BP7

Genome-Nilou Lab
Classification: Likely benign for Developmental and epileptic encephalopathy, 18. Last evaluated: 2023-04-11. Review status: criteria provided, single submitter. Criteria: ACMG Guidelines, 2015. Collection method: clinical testing. Allele origin: germline. Affected: no.

GeneDx
Classification: Likely benign. Last evaluated: 2020-11-03. Review status: criteria provided, single submitter. Criteria: GeneDx Variant Classification Process June 2021. Collection method: clinical testing. Allele origin: germline. Affected: yes.

Ambry Genetics
Classification: Likely benign for Inborn genetic diseases. Last evaluated: 2019-10-23. Review status: criteria provided, single submitter. Criteria: Ambry Variant Classification Scheme 2023. Collection method: clinical testing. Allele origin: germline.

Clinical Genetics DNA and cytogenetics Diagnostics Lab, Erasmus MC, Erasmus Medical Center
Classification: Likely benign. Review status: no assertion criteria provided. Collection method: clinical testing. Allele origin: germline. Affected: yes. Study: VKGL Data-share Consensus. Not counted in ClinVar's aggregate classification.

Genome Diagnostics Laboratory, University Medical Center Utrecht
Classification: Likely benign. Review status: no assertion criteria provided. Collection method: clinical testing. Allele origin: germline. Affected: yes. Study: VKGL Data-share Consensus. Not counted in ClinVar's aggregate classification.